The following is an entry in ClinVar:

ClinVar aggregate classification (germline): Uncertain significance (1 of 4 stars; one submission).

Submission:

GeneDx
Classification: Uncertain significance. Last evaluated: 2020-01-23. Review status: criteria provided, single submitter. Criteria: GeneDx Variant Classification Process June 2021. Collection method: clinical testing. Allele origin: germline. Affected: yes.
Comment: Not observed in large population cohorts (Lek et al., 2016); In silico analysis, which includes protein predictors and evolutionary conservation, supports that this variant does not alter protein structure/function; Has not been previously published as pathogenic or benign to our knowledge; Variant is not located in the A-band nor the M-line region of titin, where the majority of pathogenic truncating variants have been reported.

NM_001267550.2(TTN):c.25390T>C (p.Ser8464Pro)

Gene: TTN (titin; minus strand). Cytogenetic location: 2q31.2.
Variant type: single nucleotide variant.
Coding change: c.25390T>C on transcript NM_001267550.2 (MANE Select); coding-DNA position 25390, T replaced by C.
Protein change: p.Ser8464Pro; replaces serine 8464 with proline.
Molecular consequence: missense variant. On other transcripts: intron variant (3).
Genome position (GRCh38, 1-based): chr2:178,717,344, A>G on the plus strand (T>C on the coding strand, the complement: TTN is on the minus strand). VCF-style: chr2-178717344-A-G. GRCh37 (hg19) VCF-style: chr2-179582071-A-G.
Other names: c.24439T>C, p.Ser8147Pro (NM_001256850.1); c.21658T>C, p.Ser7220Pro (NM_133378.4); c.13282+20738T>C (NM_003319.4); c.13858+20738T>C (NM_133437.4); c.13657+20738T>C (NM_133432.3); short protein forms S7220P, S8147P, S8464P.
Identifiers: ClinVar variation 1313191 (VCV001313191.2), dbSNP rs2154298950, ClinGen allele CA349485716.
Genomic context (GRCh38, chr2:178,717,344, plus strand): 5'-GTGCAGTCCCAGTTACATGACATTTAAAAGTACCACTTTCTCCAAGAGCAAGATCTACTG[A>G]TACAGGCTTTAGATCAAAGAAAGGAGGCACTTCATGCTCTGAAAAGAATGAAGACCAACA-3'
Protein context (NP_001254479.2, residues 8454-8474): VPPFFDLKPV[Ser8464Pro]VDLALGESGT